The following is an entry in ClinVar:

ClinVar aggregate classification (germline): Uncertain significance (1 of 4 stars; one submission).

Allele frequency attached by ClinVar (database versions not stated): gnomAD exomes below 0.00001.
gnomAD v4.1: 1 of 1,613,022 alleles (0.000062%); highest among the groups gnomAD compares: East Asian, 0.0022%; no homozygotes.

Submission:

Labcorp Genetics (formerly Invitae), Labcorp
Classification: Uncertain significance. Last evaluated: 2024-03-22. Review status: criteria provided, single submitter. Criteria: Invitae Variant Classification Sherloc (09022015). Collection method: clinical testing. Allele origin: germline.
Comment: This sequence change replaces glutamine, which is neutral and polar, with leucine, which is neutral and non-polar, at codon 1039 of the CACNA1E protein (p.Gln1039Leu). This variant is present in population databases (no rsID available, gnomAD 0.006%). This variant has not been reported in the literature in individuals affected with CACNA1E-related conditions. Advanced modeling of protein sequence and biophysical properties (such as structural, functional, and spatial information, amino acid conservation, physicochemical variation, residue mobility, and thermodynamic stability) has been performed at Invitae for this missense variant, however the output from this modeling did not meet the statistical confidence thresholds required to predict the impact of this variant on CACNA1E protein function. In summary, the available evidence is currently insufficient to determine the role of this variant in disease. Therefore, it has been classified as a Variant of Uncertain Significance.

NM_001205293.3(CACNA1E):c.3116A>T (p.Gln1039Leu)

Gene: CACNA1E (calcium voltage-gated channel subunit alpha1 E; plus strand). Cytogenetic location: 1q25.3.
Variant type: single nucleotide variant.
Coding change: c.3116A>T on transcript NM_001205293.3 (MANE Select); coding-DNA position 3116, A replaced by T.
Protein change: p.Gln1039Leu; replaces glutamine 1039 with leucine.
Molecular consequence: missense variant.
Genome position (GRCh38, 1-based): chr1:181,733,604, A>T. VCF-style: chr1-181733604-A-T. GRCh37 (hg19) VCF-style: chr1-181702740-A-T.
Other names: c.3116A>T, p.Gln1039Leu (NM_000721.4); c.3059A>T, p.Gln1020Leu (NM_001205294.2); short protein forms Q1039L, Q1020L.
Identifiers: ClinVar variation 2846403 (VCV002846403.3), dbSNP rs1184463642, ClinGen allele CA343621030.
Genomic context (GRCh38, chr1:181,733,604, plus strand): 5'-TGGTGCTGACGGAGCAGGAGCCAGAAGGCAGCAGTGAGCAGGCCCTGCTGGGGAATGTGC[A>T]GCTAGACATGGGCCGGGTCATCAGCCAGAGCGAGCCTGACCTCTCCTGCATCACGGCCAA-3'
Protein context (NP_001192222.1, residues 1029-1049): SSEQALLGNV[Gln1039Leu]LDMGRVISQS